The following continues an entry in ClinVar:

NM_000238.4(KCNH2):c.2948C>T (p.Thr983Ile)

Gene: KCNH2. ClinVar aggregate classification (germline): Conflicting classifications of pathogenicity. Likely pathogenic (1); Uncertain significance (8); Likely benign (4).

Submissions 10 to 15 of 15:

ARUP Laboratories, Molecular Genetics and Genomics, ARUP Laboratories
Classification: Uncertain significance. Last evaluated: 2018-05-04. Review status: criteria provided, single submitter. Criteria: ARUP Molecular Germline Variant Investigation Process. Collection method: clinical testing. Allele origin: germline.
Comment: The KCNH2 c.2948C>T; p.Thr983Ile variant (rs149955375, ClinVar variant ID 67455) has been identified in at least three patients diagnosed with or referred for testing for long QT syndrome, but no family segregation data has been reported (Miszalski-Jamka 2017, Refsgaard 2012, Tester 2005). This variant is listed in the genome Aggregation Database (gnomAD) with an overall population frequency of 0.03% (identified on 32 out of 123,742 chromosomes). The threonine at position 983 is moderately conserved, considering 14 species, and computational analyses of the effects of the p.Thr983Ile variant on protein structure and function make conflicting predictions (SIFT: tolerated, PolyPhen-2: possibly damaging). Based on the available information, the clinical significance of the p.Thr983Ile variant cannot be determined with certainty.

Eurofins Ntd Llc (ga)
Classification: Uncertain significance. Last evaluated: 2015-06-05. Review status: criteria provided, single submitter. Criteria: EGL Classification Definitions 2015. Collection method: clinical testing. Allele origin: germline. Observed: 1 variant allele, 1 heterozygote.

Stanford Center for Inherited Cardiovascular Disease, Stanford University
Classification: Uncertain significance. Last evaluated: 2014-12-03. Review status: criteria provided, single submitter. Criteria: ACMG Guidelines, 2015. Collection method: provider interpretation. Allele origin: germline.

Biesecker Lab/Clinical Genomics Section, National Institutes of Health
Classification: Likely benign for Long QT syndrome. Last evaluated: 2013-06-24. Review status: criteria provided, single submitter. Criteria: Ng et al. (Circ Cardiovasc Genet. 2013). Collection method: research. Allele origin: unknown. Observed: 1 variant allele. Study: ClinSeq.
Comment: The study set was not selected for affection status in relation to any cancer. Pathogenicity categories were based on literature curation. See Pubmed ID:23861362 for details.

Medical sequencing

CSER _CC_NCGL, University of Washington
Classification: Uncertain significance for Long QT syndrome. Last evaluated: 2014-06-01. Review status: no assertion criteria provided. Collection method: research. Allele origin: germline. Inheritance: Autosomal dominant inheritance. Study: ESP 6500 variant annotation. Not counted in ClinVar's aggregate classification.
Comment: Variants classified for the Actionable exomic incidental findings in 6503 participants: challenges of variant classification manuscript

Cardiovascular Biomedical Research Unit, Royal Brompton & Harefield NHS Foundation Trust
No classification provided. Condition: Familial long QT syndrome. Review status: no classification provided. Collection method: literature only. Allele origin: germline. Not counted in ClinVar's aggregate classification.
Comment: This variant has been reported as associated with Long QT syndrome in the following publications (PMID:15840476;PMID:22378279). This is a literature report, and does not necessarily reflect the clinical interpretation of the Imperial College / Royal Brompton Cardiovascular Genetics laboratory.

Literature cited by the submitters: PubMed 15840476 (cited by 5 submitters); PubMed 23098067 (cited by 3 submitters); PubMed 29957233 (cited by 3 submitters); PubMed 31737537 (cited by Labcorp Genetics (formerly Invitae), Labcorp and Ambry Genetics); PubMed 32383558 (cited by Labcorp Genetics (formerly Invitae), Labcorp and Ambry Genetics); PubMed 32893267 (cited by Labcorp Genetics (formerly Invitae), Labcorp and All of Us Research Program, National Institutes of Health); PubMed 22378279 (cited by 4 submitters); PubMed 23266818 (cited by All of Us Research Program, National Institutes of Health); PubMed 26746457 (cited by All of Us Research Program, National Institutes of Health and Ambry Genetics); PubMed 32843460 (cited by All of Us Research Program, National Institutes of Health); PubMed 37449562 (cited by All of Us Research Program, National Institutes of Health); PubMed 38219013 (cited by All of Us Research Program, National Institutes of Health); PubMed 23861362 (cited by Ambry Genetics); PubMed 25637381 (cited by Ambry Genetics); PubMed 28798025 (cited by Ambry Genetics); DOI 10.1016/j.jacc.2018.04.041 (cited by Petrovsky National Research Centre of Surgery, The Federal Agency for Scientific Organizations); DOI 10.1136/bcr-2020-235703 (cited by Petrovsky National Research Centre of Surgery, The Federal Agency for Scientific Organizations); PubMed 22581653 (cited by Cardiovascular Biomedical Research Unit, Royal Brompton & Harefield NHS Foundation Trust).